The following is an entry in ClinVar:

ClinVar aggregate classification (germline): Uncertain significance (1 of 4 stars; one submission).

Allele frequency attached by ClinVar (database versions not stated): gnomAD exomes below 0.00001.

Submission:

GeneDx
Classification: Uncertain significance. Last evaluated: 2022-08-25. Review status: criteria provided, single submitter. Criteria: GeneDx Variant Classification Process June 2021. Collection method: clinical testing. Allele origin: germline. Affected: yes.
Comment: In silico analysis supports that this missense variant has a deleterious effect on protein structure/function; Has not been previously published as pathogenic or benign to our knowledge

NM_024665.7(TBL1XR1):c.1538G>A (p.Arg513Gln)

Gene: TBL1XR1 (TBL1X/Y related 1; minus strand). Cytogenetic location: 3q26.32.
Variant type: single nucleotide variant.
Coding change: c.1538G>A on transcript NM_024665.7 (MANE Select); coding-DNA position 1538, G replaced by A.
Protein change: p.Arg513Gln; replaces arginine 513 with glutamine.
Molecular consequence: missense variant.
Genome position (GRCh38, 1-based): chr3:177,025,505, C>T on the plus strand (G>A on the coding strand, the complement: TBL1XR1 is on the minus strand). VCF-style: chr3-177025505-C-T. GRCh37 (hg19) VCF-style: chr3-176743293-C-T.
Other names: c.1538G>A, p.Arg513Gln (NM_001321193.3, NM_001321194.3, NM_001374327.1 and 2 more transcripts); c.1277G>A, p.Arg426Gln (NM_001321195.3, NM_001374330.1); short protein forms R426Q, R513Q.
Identifiers: ClinVar variation 2430948 (VCV002430948.1), dbSNP rs1338053273, ClinGen allele CA355553882.